The following is an entry in ClinVar:

NM_002878.4(RAD51D):c.124A>G (p.Lys42Glu)

Genes: RAD51L3-RFFL (RAD51L3-RFFL readthrough; minus strand), RAD51D (RAD51 paralog D; minus strand). Cytogenetic location: 17q12.
Variant type: single nucleotide variant.
Coding change: c.124A>G on transcript NM_002878.4 (MANE Select); coding-DNA position 124, A replaced by G.
Protein change: p.Lys42Glu; replaces lysine 42 with glutamic acid.
Molecular consequence: missense variant. On other transcripts: non-coding transcript variant (2).
Genome position (GRCh38, 1-based): chr17:35,119,131, T>C on the plus strand (A>G on the coding strand, the complement: RAD51D is on the minus strand). VCF-style: chr17-35119131-T-C. GRCh37 (hg19) VCF-style: chr17-33446150-T-C.
Other names: c.124A>G, p.Lys42Glu (NM_001142571.2, NM_133629.3); short protein forms K42E.
Identifiers: ClinVar variation 999965 (VCV000999965.12), dbSNP rs2091788355, ClinGen allele CA399091839.
Genomic context (GRCh38, chr17:35,119,131, plus strand): 5'-AAAGACACTCAGGTTTGGAATGTGGAGATCAGGAGCTCACCTTGTAAGACAAGCCACATT[T>C]CTGAGCTACCTCTTCCAGGTCTGCAGAAACCAGGTCCACCACTGAAAACAAAACACGTAT-3'
Protein context (NP_002869.3, residues 32-52): VSADLEEVAQ[Lys42Glu]CGLSYKALVA

ClinVar aggregate classification (germline): Uncertain significance. Review status: criteria provided, multiple submitters, no conflicts (2 of 4 stars). 3 submissions from 3 submitters: Uncertain significance (3). Last evaluated 2023-11-10.

Conditions:
Hereditary cancer-predisposing syndrome. Also called: Neoplastic Syndromes, Hereditary; Tumor predisposition; Hereditary Cancer Syndrome; Hereditary neoplastic syndrome. Identifiers: Orphanet 140162, MedGen C0027672, MeSH D009386, MONDO:0015356.
Breast-ovarian cancer, familial, susceptibility to, 4. Identifiers: Orphanet 145, MedGen C3280345, MONDO:0013669, OMIM 614291.

Submissions (3):

Baylor Genetics
Classification: Uncertain significance for Breast-ovarian cancer, familial, susceptibility to, 4. Last evaluated: 2023-11-10. Review status: criteria provided, single submitter. Criteria: ACMG Guidelines, 2015. Collection method: clinical testing. Allele origin: unknown.

Ambry Genetics
Classification: Uncertain significance for Hereditary cancer-predisposing syndrome. Last evaluated: 2023-03-27. Review status: criteria provided, single submitter. Criteria: Ambry Variant Classification Scheme 2023. Collection method: clinical testing. Allele origin: germline.
Comment: The p.K42E variant (also known as c.124A>G), located in coding exon 2 of the RAD51D gene, results from an A to G substitution at nucleotide position 124. The lysine at codon 42 is replaced by glutamic acid, an amino acid with similar properties. This amino acid position is well conserved in available vertebrate species. In addition, this alteration is predicted to be tolerated by in silico analysis. Since supporting evidence is limited at this time, the clinical significance of this alteration remains unclear.

Labcorp Genetics (formerly Invitae), Labcorp
Classification: Uncertain significance for Breast-ovarian cancer, familial, susceptibility to, 4. Last evaluated: 2020-03-22. Review status: criteria provided, single submitter. Criteria: Invitae Variant Classification Sherloc (09022015). Collection method: clinical testing. Allele origin: germline.
Comment: This sequence change replaces lysine with glutamic acid at codon 42 of the RAD51D protein (p.Lys42Glu). The lysine residue is moderately conserved and there is a small physicochemical difference between lysine and glutamic acid. This variant is not present in population databases (ExAC no frequency). This variant has not been reported in the literature in individuals with RAD51D-related conditions. Algorithms developed to predict the effect of missense changes on protein structure and function are either unavailable or do not agree on the potential impact of this missense change (SIFT: "Tolerated"; PolyPhen-2: "Possibly Damaging"; Align-GVGD: "Class C0"). In summary, the available evidence is currently insufficient to determine the role of this variant in disease. Therefore, it has been classified as a Variant of Uncertain Significance.